The following is an entry in ClinVar:

ClinVar aggregate classification (germline): Uncertain significance (1 of 4 stars; one submission).

Conditions:
Coffin-Siris syndrome 1 (CSS1). Also called: Mental retardation, autosomal dominant 12; ARID1B-Related Coffin-Siris Syndrome. Identifiers: Orphanet 1465, MedGen C3281201, MONDO:0007617, OMIM 135900. Disease mechanism: gain of function.

Submission:

Institute of Human Genetics, University of Goettingen
Classification: Uncertain significance for Coffin-Siris syndrome 1. Last evaluated: 2024-09-09. Review status: criteria provided, single submitter. Criteria: ACMG Guidelines, 2015. Collection method: clinical testing. Allele origin: de novo. Inheritance: Sporadic. Observed: 1 heterozygote.
Comment: The variant c.3615G>T (p.(Trp1205Cys)) in exon 13 of the ARID1B-gene is not found in the gnomAD database, it affects a highly conserved nucleotide, and a highly conserved amino acid and there is a large physicochemical difference between Trp and Cys. This variant has a pathogeni computational verdict based on in silico prediction algorithms. ACMG criteria used for classification: PS2, PM2_sup, PP3_mod, BP1_mod.

NM_001374828.1(ARID1B):c.3735G>T (p.Trp1245Cys)

Gene: ARID1B (AT-rich interaction domain 1B; plus strand). Cytogenetic location: 6q25.3.
Variant type: single nucleotide variant.
Coding change: c.3735G>T on transcript NM_001374828.1 (MANE Select); coding-DNA position 3735, G replaced by T.
Protein change: p.Trp1245Cys; replaces tryptophan 1245 with cysteine.
Molecular consequence: missense variant.
Genome position (GRCh38, 1-based): chr6:157,184,251, G>T. VCF-style: chr6-157184251-G-T. GRCh37 (hg19) VCF-style: chr6-157505385-G-T.
Other names: c.1236G>T, p.Trp412Cys (NM_001363725.2); c.3615G>T, p.Trp1205Cys (NM_001371656.1, NM_001374820.1); c.3576G>T, p.Trp1192Cys (NM_017519.3); short protein forms W1192C, W1205C, W1245C, W412C.
Identifiers: ClinVar variation 3340070 (VCV003340070.2).
Genomic context (GRCh38, chr6:157,184,251, plus strand): 5'-CTTTGTTGCAAACCAATGATCCTGCCGTGTTTTTCACTAGGTTAATAAAAACAAGAAGTG[G>T]CGTGAGCTGGCAACCAACCTAAACGTTGGCACCTCAAGCAGTGCAGCGAGCTCCCTGAAA-3'
Protein context (NP_001361757.1, residues 1235-1255): GLAQVNKNKK[Trp1245Cys]RELATNLNVG